The following is an entry in ClinVar:

NM_006231.4(POLE):c.4927C>G (p.Leu1643Val)

Gene: POLE (DNA polymerase epsilon, catalytic subunit; minus strand). Cytogenetic location: 12q24.33.
Variant type: single nucleotide variant.
Coding change: c.4927C>G on transcript NM_006231.4 (MANE Select); coding-DNA position 4927, C replaced by G.
Protein change: p.Leu1643Val; replaces leucine 1643 with valine.
Molecular consequence: missense variant.
Genome position (GRCh38, 1-based): chr12:132,642,531, G>C on the plus strand (C>G on the coding strand, the complement: POLE is on the minus strand). VCF-style: chr12-132642531-G-C. GRCh37 (hg19) VCF-style: chr12-133219117-G-C.
Other names: c.4927C>G (NM_006231.2); short protein forms L1643V.
Identifiers: ClinVar variation 473699 (VCV000473699.13), dbSNP rs1418072475, ClinGen allele CA387377888.
Genomic context (GRCh38, chr12:132,642,531, plus strand): 5'-GGACCACTGGCCCACAACGACAGTACTGTGCTCACCTGCTCATCTCGAAGGCCTGCGACA[G>C]GCAGGTGTCCAGGTTGAGGTAGTGACGGATCATGCGCCGGGCTCCATGGCGCTGCCAGTC-3'
Protein context (NP_006222.2, residues 1633-1653): IRHYLNLDTC[Leu1643Val]SQAFEMSRYF

ClinVar aggregate classification (germline): Uncertain significance. Review status: criteria provided, multiple submitters, no conflicts (2 of 4 stars). 2 submissions from 2 submitters: Uncertain significance (2). Last evaluated 2025-05-14.

Conditions:
Hereditary cancer-predisposing syndrome. Also called: Neoplastic Syndromes, Hereditary; Tumor predisposition; Hereditary Cancer Syndrome; Hereditary neoplastic syndrome. Identifiers: Orphanet 140162, MedGen C0027672, MeSH D009386, MONDO:0015356.

Submissions (2):

Ambry Genetics
Classification: Uncertain significance for Hereditary cancer-predisposing syndrome. Last evaluated: 2025-05-14. Review status: criteria provided, single submitter. Criteria: Ambry Variant Classification Scheme 2023. Collection method: clinical testing. Allele origin: germline.
Comment: The p.L1643V variant (also known as c.4927C>G), located in coding exon 37 of the POLE gene, results from a C to G substitution at nucleotide position 4927. The leucine at codon 1643 is replaced by valine, an amino acid with highly similar properties. This amino acid position is highly conserved in available vertebrate species. In addition, the in silico prediction for this alteration is inconclusive. Based on the available evidence, the clinical significance of this variant remains unclear.

Labcorp Genetics (formerly Invitae), Labcorp
Classification: Uncertain significance. Last evaluated: 2024-02-29. Review status: criteria provided, single submitter. Criteria: Invitae Variant Classification Sherloc (09022015). Collection method: clinical testing. Allele origin: germline.
Comment: This sequence change replaces leucine, which is neutral and non-polar, with valine, which is neutral and non-polar, at codon 1643 of the POLE protein (p.Leu1643Val). This variant is not present in population databases (gnomAD no frequency). This variant has not been reported in the literature in individuals affected with POLE-related conditions. ClinVar contains an entry for this variant (Variation ID: 473699). Advanced modeling of protein sequence and biophysical properties (such as structural, functional, and spatial information, amino acid conservation, physicochemical variation, residue mobility, and thermodynamic stability) performed at Invitae indicates that this missense variant is not expected to disrupt POLE protein function with a negative predictive value of 80%. In summary, the available evidence is currently insufficient to determine the role of this variant in disease. Therefore, it has been classified as a Variant of Uncertain Significance.